The following is an entry in ClinVar:

ClinVar aggregate classification (germline): Uncertain significance (1 of 4 stars; one submission).

Conditions:
Curry-Hall syndrome (WAD). Also called: WEYERS ACRODENTAL DYSOSTOSIS. Identifiers: Orphanet 952, MedGen C0457013, MONDO:0008673, OMIM 193530.
Ellis-van Creveld syndrome (EVC). Also called: EVC-Related Ellis-van Creveld Syndrome; EVC2-Related Ellis-van Creveld Syndrome; MESOECTODERMAL DYSPLASIA; Chondroectodermal dysplasia. Identifiers: Orphanet 289, MedGen C0013903, MONDO:0009162, OMIM 225500.

Allele frequency attached by ClinVar (database versions not stated): gnomAD 0.00002.
gnomAD v4.1: 4 of 1,613,408 alleles (0.00025%); highest among the groups gnomAD compares: Admixed American, 0.0067%; no homozygotes.

Submission:

Labcorp Genetics (formerly Invitae), Labcorp
Classification: Uncertain significance for Curry-Hall syndrome; Ellis-van Creveld syndrome. Last evaluated: 2023-10-14. Review status: criteria provided, single submitter. Criteria: Invitae Variant Classification Sherloc (09022015). Collection method: clinical testing. Allele origin: germline.
Comment: This sequence change falls in intron 19 of the EVC2 gene. It does not directly change the encoded amino acid sequence of the EVC2 protein. This variant is present in population databases (no rsID available, gnomAD 0.006%). This variant has not been reported in the literature in individuals affected with EVC2-related conditions. Algorithms developed to predict the effect of sequence changes on RNA splicing suggest that this variant may disrupt the consensus splice site. In summary, the available evidence is currently insufficient to determine the role of this variant in disease. Therefore, it has been classified as a Variant of Uncertain Significance.

NM_147127.5(EVC2):c.3360+16C>G

Gene: EVC2 (EvC ciliary complex subunit 2; minus strand). Cytogenetic location: 4p16.2.
Variant type: single nucleotide variant.
Coding change: c.3360+16C>G on transcript NM_147127.5 (MANE Select); 16 bases into the intron after coding-DNA position 3360, C replaced by G.
Molecular consequence: intron variant.
Genome position (GRCh38, 1-based): chr4:5,574,669, G>C on the plus strand (C>G on the coding strand, the complement: EVC2 is on the minus strand). VCF-style: chr4-5574669-G-C. GRCh37 (hg19) VCF-style: chr4-5576396-G-C.
Other names: c.3120+16C>G (NM_001166136.2).
Identifiers: ClinVar variation 2937496 (VCV002937496.3), dbSNP rs1329588130, ClinGen allele CA549396332.